The following is an entry in ClinVar:

ClinVar aggregate classification (germline): Benign/Likely benign. Review status: criteria provided, multiple submitters, no conflicts (2 of 4 stars). 10 submissions from 10 submitters: Benign (2); Likely benign (6). 2 of the submissions do not count toward it. Last evaluated 2026-04-01.

Conditions:
SCN10A-related disorder. Also called: SCN10A-related condition.
Cardiovascular phenotype. Identifiers: MedGen CN230736.
Brugada syndrome. Also called: Sudden Unexplained Death Syndrome; Sudden Unexplained Nocturnal Death Syndrome (SUNDS); Sudden unexpected nocturnal death syndrome; Sudden unexplained nocturnal death syndrome. Identifiers: Orphanet 130, MedGen C1142166, MONDO:0015263.

Allele frequency attached by ClinVar (database versions not stated): gnomAD exomes 0.00057 and 0.00106; ExAC 0.00058; gnomAD 0.00060; TOPMed 0.00063; ESP Exome Variant Server 0.00085.
gnomAD v4.1: 1,632 of 1,614,024 alleles (0.1%); highest among the groups gnomAD compares: Non-Finnish European, 0.13%; 2 homozygotes.

Submissions (10):

CeGaT Center for Human Genetics Tuebingen
Classification: Likely benign. Last evaluated: 2026-04-01. Review status: criteria provided, single submitter. Criteria: CeGaT Center For Human Genetics Tuebingen Variant Classification Criteria Version 2. Collection method: clinical testing. Allele origin: germline. Affected: yes. Observed: 5 variant alleles.
Comment: SCN10A: BP4, BP7

Labcorp Genetics (formerly Invitae), Labcorp
Classification: Benign for Brugada syndrome. Last evaluated: 2025-12-21. Review status: criteria provided, single submitter. Criteria: Invitae Variant Classification Sherloc (09022015). Collection method: clinical testing. Allele origin: germline.

PreventionGenetics, part of Exact Sciences
Classification: Likely benign for SCN10A-related condition. Last evaluated: 2025-09-09. Review status: criteria provided, single submitter. Criteria: ACMG Guidelines, 2015. Collection method: clinical testing. Allele origin: germline.
Comment: This variant is classified as likely benign based on ACMG/AMP sequence variant interpretation guidelines (Richards et al. 2015 PMID: 25741868, with internal and published modifications).

Women's Health and Genetics/Laboratory Corporation of America, LabCorp
Classification: Benign. Last evaluated: 2025-02-03. Review status: criteria provided, single submitter. Criteria: LabCorp Variant Classification Summary - May 2015. Collection method: clinical testing. Allele origin: germline.

Blueprint Genetics
Classification: Likely benign. Last evaluated: 2024-10-10. Review status: criteria provided, single submitter. Criteria: ACMG Guidelines, 2015. Collection method: clinical testing. Allele origin: germline.

GeneDx
Classification: Likely benign. Last evaluated: 2020-04-02. Review status: criteria provided, single submitter. Criteria: GeneDx Variant Classification Process June 2021. Collection method: clinical testing. Allele origin: germline. Affected: yes.

Ambry Genetics
Classification: Likely benign for Cardiovascular phenotype. Last evaluated: 2019-05-23. Review status: criteria provided, single submitter. Criteria: Ambry Variant Classification Scheme 2023. Collection method: clinical testing. Allele origin: germline.

Breakthrough Genomics
Classification: Likely benign. Review status: criteria provided, single submitter. Criteria: ACMG Guidelines, 2015. Collection method: not provided. Allele origin: germline. Inheritance: Autosomal dominant inheritance. Affected: yes.

Clinical Genetics, Academic Medical Center
Classification: Benign. Review status: no assertion criteria provided. Collection method: clinical testing. Allele origin: germline. Affected: yes. Study: VKGL Data-share Consensus. Not counted in ClinVar's aggregate classification.

Joint Genome Diagnostic Labs from Nijmegen and Maastricht, Radboudumc and MUMC+
Classification: Likely benign. Review status: no assertion criteria provided. Collection method: clinical testing. Allele origin: germline. Affected: yes. Study: VKGL Data-share Consensus. Not counted in ClinVar's aggregate classification.

NM_006514.4(SCN10A):c.648A>C (p.Thr216=)

Gene: SCN10A (sodium voltage-gated channel alpha subunit 10; minus strand). Cytogenetic location: 3p22.2.
Variant type: single nucleotide variant.
Coding change: c.648A>C on transcript NM_006514.4 (MANE Select); coding-DNA position 648, A replaced by C.
Protein change: p.Thr216=; no amino-acid change (threonine 216 retained).
Molecular consequence: synonymous variant.
Genome position (GRCh38, 1-based): chr3:38,763,548, T>G on the plus strand (A>C on the coding strand, the complement: SCN10A is on the minus strand). VCF-style: chr3-38763548-T-G. GRCh37 (hg19) VCF-style: chr3-38805039-T-G.
Other names: c.648A>C, p.Thr216= (NM_001293306.2, NM_001293307.2).
Identifiers: ClinVar variation 414627 (VCV000414627.49), dbSNP rs150977149, ClinGen allele CA2321121.